The following is an entry in ClinVar:

NM_000536.4(RAG2):c.1187A>G (p.Asp396Gly)

Gene: RAG2 (recombination activating 2; minus strand). Cytogenetic location: 11p12.
Variant type: single nucleotide variant.
Coding change: c.1187A>G on transcript NM_000536.4 (MANE Select); coding-DNA position 1187, A replaced by G.
Protein change: p.Asp396Gly; replaces aspartic acid 396 with glycine.
Molecular consequence: missense variant.
Genome position (GRCh38, 1-based): chr11:36,592,982, T>C on the plus strand (A>G on the coding strand, the complement: RAG2 is on the minus strand). VCF-style: chr11-36592982-T-C. GRCh37 (hg19) VCF-style: chr11-36614532-T-C.
Other names: c.1187A>G, p.Asp396Gly (NM_001243785.2, NM_001243786.2); short protein forms D396G.
Identifiers: ClinVar variation 879479 (VCV000879479.6), dbSNP rs753730066, ClinGen allele CA5950457.
Genomic context (GRCh38, chr11:36,592,982, plus strand): 5'-CAGTAGCCTGTCTCAGACTCATCTTCTTCATCATCTTCATTATAGGTGTCAAATTCATCA[T>C]CACCATCAAAACTATTTGCTTCTGCACTGAAACAAAATTCTTCAGAGTCTTCAAAGGGAG-3'
Protein context (NP_000527.2, residues 386-406): FSAEANSFDG[Asp396Gly]DEFDTYNEDD

ClinVar aggregate classification (germline): Uncertain significance. Review status: criteria provided, multiple submitters, no conflicts (2 of 4 stars). 3 submissions from 2 submitters: Uncertain significance (3). Last evaluated 2022-07-09.

Conditions:
Severe combined immunodeficiency, autosomal recessive, T cell-negative, B cell-negative, NK cell-positive. Also called: Severe combined immunodeficiency due to complete RAG1/2 deficiency; SCID, AR, T-cell negative, B-cell negative, NK cell-positive; SCID, T CELL-NEGATIVE, B CELL-NEGATIVE, NK CELL-POSITIVE. Identifiers: Orphanet 331206, MedGen C1832322, MONDO:0011086, OMIM 601457.
Histiocytic medullary reticulosis. Also called: Omenn syndrome; SEVERE COMBINED IMMUNODEFICIENCY WITH HYPEREOSINOPHILIA. Identifiers: Orphanet 39041, MedGen C2700553, MONDO:0011338, OMIM 603554.
Combined immunodeficiency with skin granulomas. Identifiers: Orphanet 157949, MedGen C2673536, MONDO:0009306, OMIM 233650.

Allele frequency attached by ClinVar (database versions not stated): ExAC 0.00001; gnomAD 0.00002; gnomAD exomes 0.00002; TOPMed 0.00003.

Submissions (3):

Labcorp Genetics (formerly Invitae), Labcorp
Classification: Uncertain significance for Combined immunodeficiency with skin granulomas; Severe combined immunodeficiency, autosomal recessive, T cell-negative, B cell-negative, NK cell-positive. Last evaluated: 2022-07-09. Review status: criteria provided, single submitter. Criteria: Invitae Variant Classification Sherloc (09022015). Collection method: clinical testing. Allele origin: germline.
Comment: This sequence change replaces aspartic acid, which is acidic and polar, with glycine, which is neutral and non-polar, at codon 396 of the RAG2 protein (p.Asp396Gly). This variant is present in population databases (rs753730066, gnomAD 0.004%). This variant has not been reported in the literature in individuals affected with RAG2-related conditions. ClinVar contains an entry for this variant (Variation ID: 879479). Advanced modeling of protein sequence and biophysical properties (such as structural, functional, and spatial information, amino acid conservation, physicochemical variation, residue mobility, and thermodynamic stability) performed at Invitae indicates that this missense variant is expected to disrupt RAG2 protein function. In summary, the available evidence is currently insufficient to determine the role of this variant in disease. Therefore, it has been classified as a Variant of Uncertain Significance.

Illumina Laboratory Services, Illumina
Classification: Uncertain significance for Histiocytic medullary reticulosis. Last evaluated: 2018-01-13. Review status: criteria provided, single submitter. Criteria: ICSL Variant Classification Criteria 13 December 2019. Collection method: clinical testing. Allele origin: germline.

Illumina Laboratory Services, Illumina
Classification: Uncertain significance for Severe combined immunodeficiency, autosomal recessive, T cell-negative, B cell-negative, NK cell-positive. Last evaluated: 2018-01-13. Review status: criteria provided, single submitter. Criteria: ICSL Variant Classification Criteria 13 December 2019. Collection method: clinical testing. Allele origin: germline.